The following is an entry in ClinVar:

ClinVar aggregate classification (germline): Likely pathogenic (1 of 4 stars; one submission).

Conditions:
Gaucher disease. Also called: Acute cerebral Gaucher disease; Cerebroside lipidosis syndrome; Gaucher splenomegaly; Sphingolipidosis 1; Glucocerebrosidosis; Glucosylceramidase deficiency. Identifiers: Orphanet 355, MedGen C0017205, MONDO:0018150.

gnomAD v4.1: 4 of 1,614,110 alleles (0.00025%); highest among the groups gnomAD compares: East Asian, 0.0067%; no homozygotes.

Submission:

Natera, Inc.
Classification: Likely pathogenic for Gaucher disease. Last evaluated: 2025-11-28. Review status: criteria provided, single submitter. Criteria: Natera Variant Classification Schema (03/2026). Collection method: clinical testing. Allele origin: germline.
Comment: The c.1159T>G variant in GBA1 is a missense variant predicted to cause substitution of tryptophan to glycine at amino acid 387. This variant is rare in the general population with a frequency below the threshold expected for the associated phenotype(s). This variant has been observed in one or more individuals affected with the associated recessive disease, as either homozygous or compound heterozygous with a second variant (PMID: 32165122). This variant has been identified in one or more affected individuals with a phenotype highly consistent with the associated gene (PMID: 32165122). Given the available evidence, this variant is classified as Likely Pathogenic.

Literature cited by the submitters: PubMed 32165122.

NM_000157.4(GBA1):c.1159T>G (p.Trp387Gly)

Genes: GBA1 (glucosylceramidase beta 1; minus strand), LOC106627981 (GBA recombination region; plus strand). Cytogenetic location: 1q22.
Variant type: single nucleotide variant.
Coding change: c.1159T>G on transcript NM_000157.4 (MANE Select); coding-DNA position 1159, T replaced by G.
Protein change: p.Trp387Gly; replaces tryptophan 387 with glycine.
Molecular consequence: missense variant.
Genome position (GRCh38, 1-based): chr1:155,236,310, A>C on the plus strand (T>G on the coding strand, the complement: GBA1 is on the minus strand). VCF-style: chr1-155236310-A-C. GRCh37 (hg19) VCF-style: chr1-155206101-A-C.
Other names: c.1159T>G, p.Trp387Gly (NM_001005741.3, NM_001005742.3); c.898T>G, p.Trp300Gly (NM_001171811.2); c.1012T>G, p.Trp338Gly (NM_001171812.2); short protein forms W300G, W338G, W387G.
Identifiers: ClinVar variation 4817682 (VCV004817682.1).